The following is an entry in ClinVar:

ClinVar aggregate classification (germline): Uncertain significance. Review status: criteria provided, multiple submitters, no conflicts (2 of 4 stars). 2 submissions from 2 submitters: Uncertain significance (2). Last evaluated 2025-10-22.

Allele frequency attached by ClinVar (database versions not stated): gnomAD 0.00001; ExAC 0.00002; gnomAD exomes 0.00002 and 0.00003; TOPMed 0.00004.
gnomAD v4.1: 38 of 1,614,030 alleles (0.0024%); highest among the groups gnomAD compares: South Asian, 0.018%; no homozygotes.

Submissions (2):

Labcorp Genetics (formerly Invitae), Labcorp
Classification: Uncertain significance. Last evaluated: 2025-10-22. Review status: criteria provided, single submitter. Criteria: Invitae Variant Classification Sherloc (09022015). Collection method: clinical testing. Allele origin: germline.
Comment: This sequence change replaces arginine, which is basic and polar, with cysteine, which is neutral and slightly polar, at codon 920 of the KL protein (p.Arg920Cys). This variant is present in population databases (rs745808758, gnomAD 0.01%). This variant has not been reported in the literature in individuals affected with KL-related conditions. ClinVar contains an entry for this variant (Variation ID: 1516674). Invitae Evidence Modeling of protein sequence and biophysical properties (such as structural, functional, and spatial information, amino acid conservation, physicochemical variation, residue mobility, and thermodynamic stability) indicates that this missense variant is not expected to disrupt KL protein function with a negative predictive value of 80%. In summary, the available evidence is currently insufficient to determine the role of this variant in disease. Therefore, it has been classified as a Variant of Uncertain Significance.

Ambry Genetics
Classification: Uncertain significance. Last evaluated: 2022-12-01. Review status: criteria provided, single submitter. Criteria: Ambry Variant Classification Scheme 2023. Collection method: clinical testing. Allele origin: germline.

NM_004795.4(KL):c.2758C>T (p.Arg920Cys)

Gene: KL (klotho; plus strand). Cytogenetic location: 13q13.1.
Variant type: single nucleotide variant.
Coding change: c.2758C>T on transcript NM_004795.4 (MANE Select); coding-DNA position 2758, C replaced by T.
Protein change: p.Arg920Cys; replaces arginine 920 with cysteine.
Molecular consequence: missense variant.
Genome position (GRCh38, 1-based): chr13:33,063,905, C>T. VCF-style: chr13-33063905-C-T. GRCh37 (hg19) VCF-style: chr13-33638042-C-T.
Other names: c.2758C>T (NM_004795.3); short protein forms R920C.
Identifiers: ClinVar variation 1516674 (VCV001516674.9), dbSNP rs745808758, ClinGen allele CA6944382.